The following is an entry in ClinVar:

NM_053025.4(MYLK):c.5006C>T (p.Thr1669Ile)

Genes: MYLK-AS1 (MYLK antisense RNA 1; plus strand), MYLK (myosin light chain kinase; minus strand), LOC126806791 (MED14-independent group 3 enhancer GRCh37_chr3:123347871-123349070; plus strand). Cytogenetic location: 3q21.1.
Variant type: single nucleotide variant.
Coding change: c.5006C>T on transcript NM_053025.4 (MANE Select); coding-DNA position 5006, C replaced by T.
Protein change: p.Thr1669Ile; replaces threonine 1669 with isoleucine.
Molecular consequence: missense variant. On other transcripts: non-coding transcript variant (2), intron variant (2).
Genome position (GRCh38, 1-based): chr3:123,629,582, G>A on the plus strand (C>T on the coding strand, the complement: MYLK is on the minus strand). VCF-style: chr3-123629582-G-A. GRCh37 (hg19) VCF-style: chr3-123348429-G-A.
Other names: c.4478C>T, p.Thr1493Ile (NM_001321309.2); c.4799C>T, p.Thr1600Ile (NM_053026.4); c.4755-2641C>T (NM_053028.4); c.4962-2641C>T (NM_053027.4); short protein forms T1493I, T1600I, T1669I.
Identifiers: ClinVar variation 2055044 (VCV002055044.4), dbSNP rs2473058968, ClinGen allele CA354233335.

ClinVar aggregate classification (germline): Uncertain significance (1 of 4 stars; one submission).

Conditions:
Aortic aneurysm, familial thoracic 7 (AAT7). Also called: AORTIC DISSECTION, FAMILIAL, WITH OR WITHOUT AORTIC ANEURYSM. Identifiers: MedGen C3151077, MONDO:0013418, OMIM 613780.

Submission:

Labcorp Genetics (formerly Invitae), Labcorp
Classification: Uncertain significance for Aortic aneurysm, familial thoracic 7. Last evaluated: 2021-12-23. Review status: criteria provided, single submitter. Criteria: Invitae Variant Classification Sherloc (09022015). Collection method: clinical testing. Allele origin: germline.
Comment: This sequence change replaces threonine, which is neutral and polar, with isoleucine, which is neutral and non-polar, at codon 1669 of the MYLK protein (p.Thr1669Ile). This variant is not present in population databases (gnomAD no frequency). This variant has not been reported in the literature in individuals affected with MYLK-related conditions. Advanced modeling of protein sequence and biophysical properties (such as structural, functional, and spatial information, amino acid conservation, physicochemical variation, residue mobility, and thermodynamic stability) performed at Invitae indicates that this missense variant is not expected to disrupt MYLK protein function. In summary, the available evidence is currently insufficient to determine the role of this variant in disease. Therefore, it has been classified as a Variant of Uncertain Significance.